The following is an entry in ClinVar:

NM_014714.4(IFT140):c.1652+5A>T

Gene: IFT140 (intraflagellar transport 140; minus strand). Cytogenetic location: 16p13.3.
Variant type: single nucleotide variant.
Coding change: c.1652+5A>T on transcript NM_014714.4 (MANE Select); 5 bases into the intron after coding-DNA position 1652, A replaced by T.
Molecular consequence: intron variant.
Genome position (GRCh38, 1-based): chr16:1,571,402, T>A on the plus strand (A>T on the coding strand, the complement: IFT140 is on the minus strand). VCF-style: chr16-1571402-T-A. GRCh37 (hg19) VCF-style: chr16-1621403-T-A.
Identifiers: ClinVar variation 998743 (VCV000998743.9), dbSNP rs1332507276, ClinGen allele CA620337341.

ClinVar aggregate classification (germline): Conflicting classifications of pathogenicity. Review status: criteria provided, conflicting classifications (1 of 4 stars). 2 submissions from 2 submitters: Uncertain significance (1); Likely benign (1). Last evaluated 2025-11-18.

Conditions:
Saldino-Mainzer syndrome (SRTD9). Also called: CONORENAL SYNDROME; Renal dysplasia, retinal pigmentary dystrophy, cerebellar ataxia and skeletal dysplasia; short-rib thoracic dysplasia 9 with or without polydactyly; SHORT-RIB THORACIC DYSPLASIA 9 WITHOUT POLYDACTYLY. Identifiers: Orphanet 140969, MedGen C1849437, MONDO:0009964, OMIM 266920.

Allele frequency attached by ClinVar (database versions not stated): gnomAD exomes below 0.00001; TOPMed below 0.00001.
gnomAD v4.1: 4 of 1,608,278 alleles (0.00025%); highest among the groups gnomAD compares: East Asian, 0.0022%; no homozygotes.

Submissions (2):

Labcorp Genetics (formerly Invitae), Labcorp
Classification: Uncertain significance for Saldino-Mainzer syndrome. Last evaluated: 2025-11-18. Review status: criteria provided, single submitter. Criteria: Invitae Variant Classification Sherloc (09022015). Collection method: clinical testing. Allele origin: germline.
Comment: This sequence change falls in intron 14 of the IFT140 gene. It does not directly change the encoded amino acid sequence of the IFT140 protein. It affects a nucleotide within the consensus splice site. This variant is present in population databases (no rsID available, gnomAD 0.003%). This variant has not been reported in the literature in individuals affected with IFT140-related conditions. ClinVar contains an entry for this variant (Variation ID: 998743). Variants that disrupt the consensus splice site are a relatively common cause of aberrant splicing (PMID: 17576681, 9536098). Algorithms developed to predict the effect of sequence changes on RNA splicing suggest that this variant is not likely to affect RNA splicing. In summary, the available evidence is currently insufficient to determine the role of this variant in disease. Therefore, it has been classified as a Variant of Uncertain Significance.

Blueprint Genetics
Classification: Likely benign. Last evaluated: 2022-08-10. Review status: criteria provided, single submitter. Criteria: ACMG Guidelines, 2015. Collection method: clinical testing. Allele origin: germline.

Literature cited by the submitters: PubMed 17576681 (cited by Labcorp Genetics (formerly Invitae), Labcorp); PubMed 9536098 (cited by Labcorp Genetics (formerly Invitae), Labcorp).